The following is an entry in ClinVar:

ClinVar aggregate classification (germline): Uncertain significance (1 of 4 stars; one submission).

Conditions:
Immunodeficiency 132A. Also called: Herpes simplex encephalitis, susceptibility to, 3. Identifiers: Orphanet 1930, MedGen C3553868, MONDO:0013920, OMIM 614849.

gnomAD v4.1: 9 of 1,613,680 alleles (0.00056%); highest among the groups gnomAD compares: Non-Finnish European, 0.00076%; no homozygotes.

Submission:

Labcorp Genetics (formerly Invitae), Labcorp
Classification: Uncertain significance for Immunodeficiency 132A. Last evaluated: 2025-08-18. Review status: criteria provided, single submitter. Criteria: Invitae Variant Classification Sherloc (09022015). Collection method: clinical testing. Allele origin: germline.
Comment: This sequence change replaces histidine, which is basic and polar, with arginine, which is basic and polar, at codon 132 of the TRAF3 protein (p.His132Arg). This variant is present in population databases (rs747544853, gnomAD 0.002%). This variant has not been reported in the literature in individuals affected with TRAF3-related conditions. An algorithm developed to predict the effect of missense changes on protein structure and function (PolyPhen-2) suggests that this variant is likely to be tolerated. In summary, the available evidence is currently insufficient to determine the role of this variant in disease. Therefore, it has been classified as a Variant of Uncertain Significance.

NM_145725.3(TRAF3):c.395A>G (p.His132Arg)

Gene: TRAF3 (TNF receptor associated factor 3; plus strand). Cytogenetic location: 14q32.32.
Variant type: single nucleotide variant.
Coding change: c.395A>G on transcript NM_145725.3 (MANE Select); coding-DNA position 395, A replaced by G.
Protein change: p.His132Arg; replaces histidine 132 with arginine.
Molecular consequence: missense variant.
Genome position (GRCh38, 1-based): chr14:102,875,721, A>G. VCF-style: chr14-102875721-A-G. GRCh37 (hg19) VCF-style: chr14-103342058-A-G.
Other names: c.395A>G, p.His132Arg (NM_001199427.2, NM_001385142.1, NM_001385143.1 and 2 more transcripts); short protein forms H132R.
Identifiers: ClinVar variation 4753944 (VCV004753944.1).